The following is an entry in ClinVar:

ClinVar aggregate classification (germline): Uncertain significance (1 of 4 stars; one submission).

Conditions:
DOCK2 deficiency. Also called: Immunodeficiency 40. Identifiers: Orphanet 447737, MedGen C4225328, MONDO:0014637, OMIM 616433.

Allele frequency attached by ClinVar (database versions not stated): gnomAD exomes below 0.00001 and 0.00001; gnomAD 0.00001; TOPMed 0.00002.

Submission:

Labcorp Genetics (formerly Invitae), Labcorp
Classification: Uncertain significance for DOCK2 deficiency. Last evaluated: 2021-04-22. Review status: criteria provided, single submitter. Criteria: Invitae Variant Classification Sherloc (09022015). Collection method: clinical testing. Allele origin: germline.
Comment: In summary, the available evidence is currently insufficient to determine the role of this variant in disease. Therefore, it has been classified as a Variant of Uncertain Significance. Algorithms developed to predict the effect of missense changes on protein structure and function (SIFT, PolyPhen-2, Align-GVGD) all suggest that this variant is likely to be tolerated, but these predictions have not been confirmed by published functional studies and their clinical significance is uncertain. This variant has not been reported in the literature in individuals with DOCK2-related conditions. This variant is not present in population databases (ExAC no frequency). This sequence change replaces methionine with isoleucine at codon 1310 of the DOCK2 protein (p.Met1310Ile). The methionine residue is moderately conserved and there is a small physicochemical difference between methionine and isoleucine.

NM_004946.3(DOCK2):c.3930G>A (p.Met1310Ile)

Gene: DOCK2 (dedicator of cytokinesis 2; plus strand). Cytogenetic location: 5q35.1.
Variant type: single nucleotide variant.
Coding change: c.3930G>A on transcript NM_004946.3 (MANE Select); coding-DNA position 3930, G replaced by A.
Protein change: p.Met1310Ile; replaces methionine 1310 with isoleucine.
Molecular consequence: missense variant. On other transcripts: non-coding transcript variant (1).
Genome position (GRCh38, 1-based): chr5:170,045,869, G>A. VCF-style: chr5-170045869-G-A. GRCh37 (hg19) VCF-style: chr5-169472873-G-A.
Other names: short protein forms M1310I.
Identifiers: ClinVar variation 1347347 (VCV001347347.8), dbSNP rs1212267702, ClinGen allele CA362109385.